The following is an entry in ClinVar:

ClinVar aggregate classification (germline): Conflicting classifications of pathogenicity. Review status: criteria provided, conflicting classifications (1 of 4 stars). 8 submissions from 8 submitters: Uncertain significance (5); Benign (1); Likely benign (1). 1 of the submissions does not count toward it. Last evaluated 2026-08-11.

Conditions:
Inborn genetic diseases. Identifiers: MedGen C0950123, MeSH D030342.
RELN-related disorder. Also called: RELN-related condition.
Norman-Roberts syndrome (LIS2). Also called: Lissencephaly 2 (Norman-Roberts type). Identifiers: Orphanet 89844, MedGen C0796089, MONDO:0009760, OMIM 257320.
Familial temporal lobe epilepsy 7. Identifiers: Orphanet 101046, MedGen C4225327, MONDO:0014639, OMIM 616436.

Allele frequency attached by ClinVar (database versions not stated): gnomAD exomes 0.00005 and 0.00009; ExAC 0.00012; 1000 Genomes Project 0.00040; gnomAD 0.00052 and 0.00057; TOPMed 0.00053; 1000 Genomes Project 30x 0.00062; ESP Exome Variant Server 0.00085.
gnomAD v4.1: 158 of 1,614,048 alleles (0.0098%); highest among the groups gnomAD compares: African/African-American, 0.19%; no homozygotes.

Submissions (8):

GeneDx
Classification: Uncertain significance. Last evaluated: 2026-08-11. Review status: criteria provided, single submitter. Criteria: GeneDx Variant Classification Process June 2021. Collection method: clinical testing. Allele origin: germline.
Comment: Identified with a second benign variant in RELN in a patient with autism in published literature who also had a variant in another gene; however, segregation information for the RELN variants was unclear (PMID: 35668055); In silico analysis suggests that this missense variant does not alter protein structure/function; This variant is associated with the following publications: (PMID: 35668055)

Labcorp Genetics (formerly Invitae), Labcorp
Classification: Benign for Familial temporal lobe epilepsy 7; Norman-Roberts syndrome. Last evaluated: 2025-12-30. Review status: criteria provided, single submitter. Criteria: Invitae Variant Classification Sherloc (09022015). Collection method: clinical testing. Allele origin: germline.

Women's Health and Genetics/Laboratory Corporation of America, LabCorp
Classification: Likely benign. Last evaluated: 2025-01-24. Review status: criteria provided, single submitter. Criteria: LabCorp Variant Classification Summary - May 2015. Collection method: clinical testing. Allele origin: germline.
Comment: Variant summary: RELN c.5961G>T (p.Lys1987Asn) results in a non-conservative amino acid change in the encoded protein sequence. Three of five in-silico tools predict a damaging effect of the variant on protein function. The variant allele was found at a frequency of 9.2e-05 in 251100 control chromosomes, predominantly at a frequency of 0.0013 within the African or African-American subpopulation in the gnomAD database. The observed variant frequency within African or African-American control individuals in the gnomAD database exceeds the estimated maximal expected allele frequency for a pathogenic variant in RELN causing Epilepsy Familial Temporal Lobe 7 phenotype. c.5961G>T has been reported in the literature in one individual affected with Autism without strong evidence for causality (Silva_022). These report(s) do not provide unequivocal conclusions about association of the variant with Epilepsy Familial Temporal Lobe 7. To our knowledge, no experimental evidence demonstrating an impact on protein function has been reported. The following publication have been ascertained in the context of this evaluation (PMID: 35668055). ClinVar contains an entry for this variant (Variation ID: 287985). Based on the evidence outlined above, the variant was classified as likely benign.

Blueprint Genetics
Classification: Uncertain significance. Last evaluated: 2023-10-10. Review status: criteria provided, single submitter. Criteria: ACMG Guidelines, 2015. Collection method: clinical testing. Allele origin: germline.

Ambry Genetics
Classification: Uncertain significance for Inborn genetic diseases. Last evaluated: 2021-12-15. Review status: criteria provided, single submitter. Criteria: Ambry Variant Classification Scheme 2023. Collection method: clinical testing. Allele origin: germline.
Comment: Unlikely to be causative of RELN-related lateral temporal epilepsy (AD) Based on insufficient or conflicting evidence, the clinical significance of this alteration remains unclear.

Athena Diagnostics
Classification: Uncertain significance. Last evaluated: 2016-11-22. Review status: criteria provided, single submitter. Criteria: Athena Diagnostics Criteria. Collection method: clinical testing. Allele origin: germline.

Eurofins Ntd Llc (ga)
Classification: Uncertain significance. Last evaluated: 2016-06-13. Review status: criteria provided, single submitter. Criteria: EGL Classification Definitions 2015. Collection method: clinical testing. Allele origin: germline. Observed: 1 variant allele, 1 heterozygote.

PreventionGenetics, part of Exact Sciences
Classification: Likely benign for RELN-related condition. Last evaluated: 2024-06-16. Review status: no assertion criteria provided. Collection method: clinical testing. Allele origin: germline. Not counted in ClinVar's aggregate classification.
Comment: This variant is classified as likely benign based on ACMG/AMP sequence variant interpretation guidelines (Richards et al. 2015 PMID: 25741868, with internal and published modifications).

Literature cited by the submitters: PubMed 35668055 (cited by Women's Health and Genetics/Laboratory Corporation of America, LabCorp).

NM_005045.4(RELN):c.5961G>T (p.Lys1987Asn)

Gene: RELN (reelin; minus strand). Cytogenetic location: 7q22.1.
Variant type: single nucleotide variant.
Coding change: c.5961G>T on transcript NM_005045.4 (MANE Select); coding-DNA position 5961, G replaced by T.
Protein change: p.Lys1987Asn; replaces lysine 1987 with asparagine.
Molecular consequence: missense variant.
Genome position (GRCh38, 1-based): chr7:103,553,668, C>A on the plus strand (G>T on the coding strand, the complement: RELN is on the minus strand). VCF-style: chr7-103553668-C-A. GRCh37 (hg19) VCF-style: chr7-103194115-C-A.
Other names: c.5961G>T, p.Lys1987Asn (NM_173054.3); short protein forms K1987N.
Identifiers: ClinVar variation 287985 (VCV000287985.25), dbSNP rs143948239, ClinGen allele CA4421072.
Genomic context (GRCh38, chr7:103,553,668, plus strand): 5'-CATCATGATTTGTATACAGCAGTGGTTTTATTTTTAGATTCTTAATACTTACGGTGCCCC[C>A]TTTGAAGAATATGGACAATAAAGACCGATGTTACCACCAGGATAGAAAAACCAATTGTCT-3'
Protein context (NP_005036.2, residues 1977-1997): NIGLYCPYSS[Lys1987Asn]GAPEEDSAMV